The following is an entry in ClinVar:

ClinVar aggregate classification (germline): Uncertain significance. Review status: criteria provided, multiple submitters, no conflicts (2 of 4 stars). 3 submissions from 3 submitters: Uncertain significance (2). 1 of the submissions does not count toward it. Last evaluated 2024-06-21.

Conditions:
Duchenne muscular dystrophy (DMD). Also called: Duchenne Muscular Dystrophy (DMD); MUSCULAR DYSTROPHY, PSEUDOHYPERTROPHIC PROGRESSIVE, DUCHENNE TYPE. Identifiers: Orphanet 98896, MedGen C0013264, MONDO:0010679, OMIM 310200.
Becker muscular dystrophy (BMD). Also called: MUSCULAR DYSTROPHY, PSEUDOHYPERTROPHIC PROGRESSIVE, BECKER TYPE; Becker Muscular Dystrophy (BMD). Identifiers: Orphanet 98895, MedGen C0917713, MONDO:0010311, OMIM 300376.
Dilated cardiomyopathy 3B (CMD3B). Also called: CMD3B: DMD-Related Dilated Cardiomyopathy; CARDIOMYOPATHY, DILATED, X-LINKED; DMD-Associated Dilated Cardiomyopathy. Identifiers: Orphanet 154, MedGen C3668940, MONDO:0010542, OMIM 302045.
Dystrophin deficiency.
Cardiomyopathy (CMYO). Also called: Cardiomyopathies. Identifiers: Orphanet 167848, MedGen C0878544, MONDO:0004994, HP:0001638. Inheritance: Various modes of inheritance.

Allele frequency attached by ClinVar (database versions not stated): TOPMed 0.00001.
gnomAD v4.1: 2 of 1,211,302 alleles (0.00017%); highest among the groups gnomAD compares: South Asian, 0.0018%; no homozygotes.

Submissions (3):

Labcorp Genetics (formerly Invitae), Labcorp
Classification: Uncertain significance for Duchenne muscular dystrophy. Last evaluated: 2024-06-21. Review status: criteria provided, single submitter. Criteria: Invitae Variant Classification Sherloc (09022015). Collection method: clinical testing. Allele origin: germline.
Comment: This sequence change replaces methionine, which is neutral and non-polar, with isoleucine, which is neutral and non-polar, at codon 617 of the DMD protein (p.Met617Ile). This variant is not present in population databases (gnomAD no frequency). This variant has not been reported in the literature in individuals affected with DMD-related conditions. ClinVar contains an entry for this variant (Variation ID: 842250). Advanced modeling of protein sequence and biophysical properties (such as structural, functional, and spatial information, amino acid conservation, physicochemical variation, residue mobility, and thermodynamic stability) performed at Invitae indicates that this missense variant is not expected to disrupt DMD protein function with a negative predictive value of 95%. In summary, the available evidence is currently insufficient to determine the role of this variant in disease. Therefore, it has been classified as a Variant of Uncertain Significance.

Fulgent Genetics
Classification: Uncertain significance for Becker muscular dystrophy; Dilated cardiomyopathy 3B; Duchenne muscular dystrophy. Last evaluated: 2021-07-01. Review status: criteria provided, single submitter. Criteria: ACMG Guidelines, 2015. Collection method: clinical testing. Allele origin: unknown.

Natera, Inc.
Classification: Uncertain significance for Becker muscular dystrophy; Cardiomyopathy; Duchenne muscular dystrophy; Dystrophin deficiency. Last evaluated: 2020-10-16. Review status: no assertion criteria provided. Collection method: clinical testing. Allele origin: germline. Not counted in ClinVar's aggregate classification.

NM_004006.3(DMD):c.1851G>A (p.Met617Ile)

Gene: DMD (dystrophin; minus strand). Cytogenetic location: Xp21.1.
Variant type: single nucleotide variant.
Coding change: c.1851G>A on transcript NM_004006.3 (MANE Select); coding-DNA position 1851, G replaced by A.
Protein change: p.Met617Ile; replaces methionine 617 with isoleucine.
Molecular consequence: missense variant.
Genome position (GRCh38, 1-based): chrX:32,565,843, C>T on the plus strand (G>A on the coding strand, the complement: DMD is on the minus strand). VCF-style: chrX-32565843-C-T. GRCh37 (hg19) VCF-style: chrX-32583960-C-T.
Other names: c.1827G>A, p.Met609Ile (NM_000109.4); c.1839G>A, p.Met613Ile (NM_004009.3); c.1482G>A, p.Met494Ile (NM_004010.3); short protein forms M613I, M617I, M609I, M494I.
Identifiers: ClinVar variation 842250 (VCV000842250.11), dbSNP rs1238073206, ClinGen allele CA412672907.